The following is an entry in ClinVar:

NM_001378454.1(ALMS1):c.3440A>T (p.His1147Leu)

Gene: ALMS1 (ALMS1 centrosome and basal body associated protein; plus strand). Cytogenetic location: 2p13.1.
Variant type: single nucleotide variant.
Coding change: c.3440A>T on transcript NM_001378454.1 (MANE Select); coding-DNA position 3440, A replaced by T.
Protein change: p.His1147Leu; replaces histidine 1147 with leucine.
Molecular consequence: missense variant.
Genome position (GRCh38, 1-based): chr2:73,449,967, A>T. VCF-style: chr2-73449967-A-T. GRCh37 (hg19) VCF-style: chr2-73677094-A-T.
Other names: c.3443A>T, p.His1148Leu (NM_015120.4); short protein forms H1147L, H1148L.
Identifiers: ClinVar variation 1995735 (VCV001995735.4), dbSNP rs1671893635, ClinGen allele CA347275654.

ClinVar aggregate classification (germline): Uncertain significance (1 of 4 stars; one submission).

Conditions:
Alstrom syndrome (ALMS). Identifiers: Orphanet 64, MedGen C0268425, MONDO:0008763, OMIM 203800.

Submission:

Labcorp Genetics (formerly Invitae), Labcorp
Classification: Uncertain significance for Alstrom syndrome. Last evaluated: 2022-05-17. Review status: criteria provided, single submitter. Criteria: Invitae Variant Classification Sherloc (09022015). Collection method: clinical testing. Allele origin: germline.
Comment: Experimental studies and prediction algorithms are not available or were not evaluated, and the functional significance of this variant is currently unknown. This variant has not been reported in the literature in individuals affected with ALMS1-related conditions. This variant is not present in population databases (gnomAD no frequency). This sequence change replaces histidine, which is basic and polar, with leucine, which is neutral and non-polar, at codon 1148 of the ALMS1 protein (p.His1148Leu). In summary, the available evidence is currently insufficient to determine the role of this variant in disease. Therefore, it has been classified as a Variant of Uncertain Significance.